The following is an entry in ClinVar:

ClinVar aggregate classification (germline): Uncertain significance (1 of 4 stars; one submission).

Conditions:
Familial thoracic aortic aneurysm and aortic dissection (TAAD). Also called: Thoracic aortic aneurysms and dissections. Identifiers: Orphanet 91387, MedGen C4707243, MONDO:0019625.

gnomAD v4.1: 3 of 1,614,202 alleles (0.00019%); highest among the groups gnomAD compares: South Asian, 0.0033%; no homozygotes.

Submission:

Color Diagnostics, LLC DBA Color Health
Classification: Uncertain significance for Familial thoracic aortic aneurysm and aortic dissection. Last evaluated: 2025-06-29. Review status: criteria provided, single submitter. Criteria: ACMG Guidelines, 2015. Collection method: clinical testing. Allele origin: germline.
Comment: This missense variant replaces arginine with lysine at codon 1480 of the MYH11 protein. Computational prediction suggests that this variant may not impact protein structure and function. To our knowledge, functional studies have not been reported for this variant. This variant has not been reported in individuals affected with MYH11-related disorders in the literature. This variant has not been identified in the general population by the Genome Aggregation Database (gnomAD). The available evidence is insufficient to determine the role of this variant in disease conclusively. Therefore, this variant is classified as a Variant of Uncertain Significance.

NM_002474.3(MYH11):c.4418G>A (p.Arg1473Lys)

Genes: NDE1 (nudE neurodevelopment protein 1; plus strand), MYH11 (myosin heavy chain 11; minus strand). Cytogenetic location: 16p13.11.
Variant type: single nucleotide variant.
Coding change: c.4418G>A on transcript NM_002474.3 (MANE Select); coding-DNA position 4418, G replaced by A.
Protein change: p.Arg1473Lys; replaces arginine 1473 with lysine.
Molecular consequence: missense variant. On other transcripts: intron variant (2).
Genome position (GRCh38, 1-based): chr16:15,721,582, C>T on the plus strand (G>A on the coding strand, the complement: MYH11 is on the minus strand). VCF-style: chr16-15721582-C-T. GRCh37 (hg19) VCF-style: chr16-15815439-C-T.
Other names: c.4439G>A, p.Arg1480Lys (NM_001040113.2, NM_001040114.2); c.4418G>A, p.Arg1473Lys (NM_022844.3); c.948-2609C>T (NM_001143979.2, NM_017668.3); short protein forms R1473K, R1480K.
Identifiers: ClinVar variation 4758635 (VCV004758635.1).